The following is an entry in ClinVar:

NM_000088.4(COL1A1):c.1638C>T (p.Ser546=)

Gene: COL1A1 (collagen type I alpha 1 chain; minus strand). Cytogenetic location: 17q21.33.
Variant type: single nucleotide variant.
Coding change: c.1638C>T on transcript NM_000088.4 (MANE Select); coding-DNA position 1638, C replaced by T.
Protein change: p.Ser546=; no amino-acid change (serine 546 retained).
Molecular consequence: synonymous variant.
Genome position (GRCh38, 1-based): chr17:50,194,160, G>A on the plus strand (C>T on the coding strand, the complement: COL1A1 is on the minus strand). VCF-style: chr17-50194160-G-A. GRCh37 (hg19) VCF-style: chr17-48271521-G-A.
Identifiers: ClinVar variation 511070 (VCV000511070.16), dbSNP rs146450504, ClinGen allele CA8645167.
Genomic context (GRCh38, chr17:50,194,160, plus strand): 5'-GGCAGGGGGTTCAGGGGGAGTGATACTTACAGGGGGGCCAGTTTTGCCATCAGGACCAGG[G>A]CTGCCAGGGCTTCCAGTCAGACCCTAGGGAGGCAGAGAGGTATGAGTGGGACTTGGGGAG-3'
Protein context (NP_000079.2, residues 536-556): GAKGLTGSPG[Ser546=]PGPDGKTGPP

ClinVar aggregate classification (germline): Benign/Likely benign. Review status: criteria provided, multiple submitters, no conflicts (2 of 4 stars). 6 submissions from 6 submitters: Benign (2); Likely benign (3). 1 of the submissions does not count toward it. Last evaluated 2025-10-23.

Conditions:
COL1A1-related disorder. Also called: COL1A1- related disease; COL1A1-related condition.
Cardiovascular phenotype. Identifiers: MedGen CN230736.
Osteogenesis imperfecta type I (OI1). Also called: OSTEOGENESIS IMPERFECTA WITH BLUE SCLERAE; Osteogenesis imperfecta type 1; Lobstein's Disease; OI, TYPE I; OSTEOGENESIS IMPERFECTA TARDA; Classic Non-deforming Osteogenesis Imperfecta with Blue Sclerae. Identifiers: Orphanet 216796, Orphanet 666, MedGen C0023931, MONDO:0008146, OMIM 166200. Disease mechanism: loss of function.

Allele frequency attached by ClinVar (database versions not stated): gnomAD exomes 0.00003 and 0.00008; ESP Exome Variant Server 0.00008; ExAC 0.00012; 1000 Genomes Project 30x 0.00094; gnomAD 0.00019 and 0.00022; TOPMed 0.00028; 1000 Genomes Project 0.00060.

Submissions (6):

Labcorp Genetics (formerly Invitae), Labcorp
Classification: Likely benign for Osteogenesis imperfecta type I. Last evaluated: 2025-10-23. Review status: criteria provided, single submitter. Criteria: Invitae Variant Classification Sherloc (09022015). Collection method: clinical testing. Allele origin: germline.

Women's Health and Genetics/Laboratory Corporation of America, LabCorp
Classification: Benign. Last evaluated: 2024-12-06. Review status: criteria provided, single submitter. Criteria: LabCorp Variant Classification Summary - May 2015. Collection method: clinical testing. Allele origin: germline.

Athena Diagnostics
Classification: Benign. Last evaluated: 2020-05-11. Review status: criteria provided, single submitter. Criteria: Athena Diagnostics Criteria. Collection method: clinical testing. Allele origin: unknown.

Ambry Genetics
Classification: Likely benign for Cardiovascular phenotype. Last evaluated: 2019-08-10. Review status: criteria provided, single submitter. Criteria: Ambry Variant Classification Scheme 2023. Collection method: clinical testing. Allele origin: germline.

GeneDx
Classification: Likely benign. Last evaluated: 2018-01-25. Review status: criteria provided, single submitter. Criteria: GeneDx Variant Classification (06012015). Collection method: clinical testing. Allele origin: germline. Affected: yes.
Comment: This variant is considered likely benign or benign based on one or more of the following criteria: it is a conservative change, it occurs at a poorly conserved position in the protein, it is predicted to be benign by multiple in silico algorithms, and/or has population frequency not consistent with disease.

PreventionGenetics, part of Exact Sciences
Classification: Likely benign for COL1A1-related condition. Last evaluated: 2024-03-12. Review status: no assertion criteria provided. Collection method: clinical testing. Allele origin: germline. Not counted in ClinVar's aggregate classification.
Comment: This variant is classified as likely benign based on ACMG/AMP sequence variant interpretation guidelines (Richards et al. 2015 PMID: 25741868, with internal and published modifications).